The following is an entry in ClinVar:

NM_138576.4(BCL11B):c.1916C>T (p.Ala639Val)

Gene: BCL11B (BCL11 transcription factor B; minus strand). Cytogenetic location: 14q32.2.
Variant type: single nucleotide variant.
Coding change: c.1916C>T on transcript NM_138576.4 (MANE Select); coding-DNA position 1916, C replaced by T.
Protein change: p.Ala639Val; replaces alanine 639 with valine.
Molecular consequence: missense variant.
Genome position (GRCh38, 1-based): chr14:99,174,920, G>A on the plus strand (C>T on the coding strand, the complement: BCL11B is on the minus strand). VCF-style: chr14-99174920-G-A. GRCh37 (hg19) VCF-style: chr14-99641257-G-A.
Other names: c.1913C>T, p.Ala638Val (NM_001282237.2); c.1700C>T, p.Ala567Val (NM_001282238.2); c.1703C>T, p.Ala568Val (NM_022898.3); c.1916C>T (NM_138576.2); short protein forms A639V, A567V, A568V, A638V.
Identifiers: ClinVar variation 2985050 (VCV002985050.4), dbSNP rs2503641006, ClinGen allele CA390934339.
Genomic context (GRCh38, chr14:99,174,920, plus strand): 5'-GCGAAGCCGCCCCCGCGCCCGTTGACCGCGCCGCCCGCGCCCGCGTCCCCGCAGCCGCCC[G>A]CGTCGTCGTCGTCGCCCGCGTCCCCGCCGCCCGCCGCACGCTTCAGGAAGGCGCCGCGCT-3'
Protein context (NP_612808.1, residues 629-649): GGGDAGDDDD[Ala639Val]GGCGDAGAGG

ClinVar aggregate classification (germline): Uncertain significance. Review status: criteria provided, multiple submitters, no conflicts (2 of 4 stars). 2 submissions from 2 submitters: Uncertain significance (2). Last evaluated 2025-05-17.

Conditions:
Inborn genetic diseases. Identifiers: MedGen C0950123, MeSH D030342.

Allele frequency attached by ClinVar (database versions not stated): gnomAD exomes below 0.00001.
gnomAD v4.1: 1 of 1,230,392 alleles (0.000081%); highest among the groups gnomAD compares: East Asian, 0.0045%; no homozygotes.

Submissions (2):

Ambry Genetics
Classification: Uncertain significance for Inborn genetic diseases. Last evaluated: 2025-05-17. Review status: criteria provided, single submitter. Criteria: Ambry Variant Classification Scheme 2023. Collection method: clinical testing. Allele origin: germline.

Labcorp Genetics (formerly Invitae), Labcorp
Classification: Uncertain significance. Last evaluated: 2023-03-17. Review status: criteria provided, single submitter. Criteria: Invitae Variant Classification Sherloc (09022015). Collection method: clinical testing. Allele origin: germline.
Comment: In summary, the available evidence is currently insufficient to determine the role of this variant in disease. Therefore, it has been classified as a Variant of Uncertain Significance. Algorithms developed to predict the effect of missense changes on protein structure and function output the following: SIFT: "Not Available"; PolyPhen-2: "Benign"; Align-GVGD: "Not Available". The valine amino acid residue is found in multiple mammalian species, which suggests that this missense change does not adversely affect protein function. This variant has not been reported in the literature in individuals affected with BCL11B-related conditions. The frequency data for this variant in the population databases is considered unreliable, as metrics indicate insufficient coverage at this position in the gnomAD database. This sequence change replaces alanine, which is neutral and non-polar, with valine, which is neutral and non-polar, at codon 639 of the BCL11B protein (p.Ala639Val).